The following is an entry in ClinVar:

ClinVar aggregate classification (germline): Uncertain significance. Review status: criteria provided, multiple submitters, no conflicts (2 of 4 stars). 3 submissions from 3 submitters: Uncertain significance (3). Last evaluated 2025-08-30.

Conditions:
Hereditary cancer-predisposing syndrome. Also called: Tumor predisposition; Hereditary neoplastic syndrome; Neoplastic Syndromes, Hereditary; Hereditary Cancer Syndrome. Identifiers: Orphanet 140162, MedGen C0027672, MeSH D009386, MONDO:0015356.

Allele frequency attached by ClinVar (database versions not stated): gnomAD exomes below 0.00001; gnomAD 0.00001; TOPMed 0.00001.
gnomAD v4.1: 5 of 1,613,992 alleles (0.00031%); highest among the groups gnomAD compares: African/African-American, 0.0013%; no homozygotes.

Submissions (3):

Ambry Genetics
Classification: Uncertain significance for Hereditary cancer-predisposing syndrome. Last evaluated: 2025-08-30. Review status: criteria provided, single submitter. Criteria: Ambry Variant Classification Scheme 2023. Collection method: clinical testing. Allele origin: germline.
Comment: The p.S323N variant (also known as c.968G>A), located in coding exon 6 of the MSH3 gene, results from a G to A substitution at nucleotide position 968. The serine at codon 323 is replaced by asparagine, an amino acid with highly similar properties. This amino acid position is well conserved in available vertebrate species. In addition, this alteration is predicted to be tolerated by in silico analysis. Since supporting evidence is limited at this time, the clinical significance of this alteration remains unclear.

Labcorp Genetics (formerly Invitae), Labcorp
Classification: Uncertain significance. Last evaluated: 2025-05-22. Review status: criteria provided, single submitter. Criteria: Invitae Variant Classification Sherloc (09022015). Collection method: clinical testing. Allele origin: germline.
Comment: This sequence change replaces serine, which is neutral and polar, with asparagine, which is neutral and polar, at codon 323 of the MSH3 protein (p.Ser323Asn). This variant is present in population databases (no rsID available, gnomAD 0.01%). This variant has not been reported in the literature in individuals affected with MSH3-related conditions. ClinVar contains an entry for this variant (Variation ID: 958859). An algorithm developed to predict the effect of missense changes on protein structure and function (PolyPhen-2) suggests that this variant is likely to be disruptive. In summary, the available evidence is currently insufficient to determine the role of this variant in disease. Therefore, it has been classified as a Variant of Uncertain Significance.

Quest Diagnostics Nichols Institute San Juan Capistrano
Classification: Uncertain significance. Last evaluated: 2024-08-08. Review status: criteria provided, single submitter. Criteria: Quest Diagnostics criteria. Collection method: clinical testing. Allele origin: unknown.
Comment: The MSH3 c.968G>A (p.Ser323Asn) variant has not been reported in individuals with MSH3-related conditions in the published literature. The frequency of this variant in the general population, 0.000032 (1/31406 chromosomes (Genome Aggregation Database)), is uninformative in the assessment of its pathogenicity. Analysis of this variant using bioinformatics tools for the prediction of the effect of amino acid changes on protein structure and function yielded predictions that this variant is benign. Based on the available information, we are unable to determine the clinical significance of this variant.

NM_002439.5(MSH3):c.968G>A (p.Ser323Asn)

Genes: MSH3 (mutS homolog 3; plus strand), LOC126807437 (MED14-independent group 3 enhancer GRCh37_chr5:79968379-79969578; plus strand). Cytogenetic location: 5q14.1.
Variant type: single nucleotide variant.
Coding change: c.968G>A on transcript NM_002439.5 (MANE Select); coding-DNA position 968, G replaced by A.
Protein change: p.Ser323Asn; replaces serine 323 with asparagine.
Molecular consequence: missense variant.
Genome position (GRCh38, 1-based): chr5:80,672,799, G>A. VCF-style: chr5-80672799-G-A. GRCh37 (hg19) VCF-style: chr5-79968618-G-A.
Other names: short protein forms S323N.
Identifiers: ClinVar variation 958859 (VCV000958859.13), dbSNP rs1046694553, ClinGen allele CA121294267.